The following is an entry in ClinVar:

ClinVar aggregate classification (germline): Pathogenic (1 of 4 stars; one submission).

Conditions:
Severe X-linked myotubular myopathy (CNMX). Also called: X-linked centronuclear myopathy; MYOTUBULAR MYOPATHY 1; Myotubular myopathy, X-linked. Identifiers: Orphanet 596, MedGen C0410203, MONDO:0010683, OMIM 310400.

Submission:

Myriad Genetics, Inc.
Classification: Pathogenic for Severe X-linked myotubular myopathy. Last evaluated: 2025-06-06. Review status: criteria provided, single submitter. Criteria: Myriad Autosomal Dominant, Autosomal Recessive and X-Linked Classification Criteria (2023). Collection method: clinical testing. Allele origin: unknown.
Comment: NM_000252.2(MTM1):c.504delT(P169Qfs*17) is expected to be pathogenic in the context of X-linked myotubular myopathy. This variant is predicted to lead to an abnormal or absent protein product due to the creation of a premature termination codon in MTM1, a gene where loss-of-function variants are known to be pathogenic. Please note: this variant was assessed in the context of healthy population screening.

NM_000252.3(MTM1):c.504del (p.Pro169fs)

Gene: MTM1 (myotubularin 1; plus strand). Cytogenetic location: Xq28.
Variant type: Deletion.
Coding change: c.504del on transcript NM_000252.3 (MANE Select); coding-DNA position 504, one base deleted (T; older notation c.504delT).
Protein change: p.Pro169fs; shifts the reading frame from proline 169.
Molecular consequence: frameshift variant.
Genome position (GRCh38, 1-based): chrX:150,639,002, T deleted. VCF-style (leftmost placement, unchanged base first): chrX-150639001-AT-A. GRCh37 (hg19) VCF-style: chrX-149807474-AT-A.
Other names: c.504del, p.Pro169fs (NM_001376906.1, NM_001376908.1); c.393del, p.Pro132fs (NM_001376907.1); short protein forms P132fs, P169fs.
Identifiers: ClinVar variation 5014558 (VCV005014558.1).